The following is an entry in ClinVar:

ClinVar aggregate classification (germline): Benign (1 of 4 stars; one submission).

Conditions:
Familial cancer of breast. Also called: BREAST CANCER, FAMILIAL; Hereditary breast cancer; hereditary breast carcinoma. Identifiers: Orphanet 227535, MedGen C0346153, MONDO:0016419, OMIM 114480. Disease mechanism: loss of function.

Allele frequency attached by ClinVar (database versions not stated): gnomAD exomes below 0.00001.
gnomAD v4.1: 1 of 1,614,088 alleles (0.000062%); highest among the groups gnomAD compares: Non-Finnish European, 0.000085%; no homozygotes.

Submission:

Myriad Genetics, Inc.
Classification: Benign for Familial cancer of breast. Last evaluated: 2024-04-29. Review status: criteria provided, single submitter. Criteria: Myriad Autosomal Dominant, Autosomal Recessive and X-Linked Classification Criteria (2023). Collection method: clinical testing. Allele origin: unknown.
Comment: This variant is considered benign. This variant is a silent/synonymous amino acid change and it is not expected to impact splicing.

NM_000051.4(ATM):c.1569C>T (p.Phe523=)

Gene: ATM (ATM serine/threonine kinase; plus strand). Cytogenetic location: 11q22.3.
Variant type: single nucleotide variant.
Coding change: c.1569C>T on transcript NM_000051.4 (MANE Select); coding-DNA position 1569, C replaced by T.
Protein change: p.Phe523=; no amino-acid change (phenylalanine 523 retained).
Molecular consequence: synonymous variant.
Genome position (GRCh38, 1-based): chr11:108,251,034, C>T. VCF-style: chr11-108251034-C-T. GRCh37 (hg19) VCF-style: chr11-108121761-C-T.
Other names: c.1569C>T, p.Phe523= (NM_001351834.2).
Identifiers: ClinVar variation 3254157 (VCV003254157.1), dbSNP rs1565383743.